The following is an entry in ClinVar:

ClinVar aggregate classification (germline): Benign/Likely benign. Review status: criteria provided, multiple submitters, no conflicts (2 of 4 stars). 3 submissions from 3 submitters: Benign (2); Likely benign (1). Last evaluated 2025-06-13.

Allele frequency attached by ClinVar (database versions not stated): gnomAD exomes 0.00014; 1000 Genomes Project 30x 0.00016; ExAC 0.00017; 1000 Genomes Project 0.00020; gnomAD 0.00028 and 0.00036; TOPMed 0.00030; ESP Exome Variant Server 0.00054.
gnomAD v4.1: 144 of 1,614,038 alleles (0.0089%); highest among the groups gnomAD compares: African/African-American, 0.1%; no homozygotes.

Submissions (3):

Labcorp Genetics (formerly Invitae), Labcorp
Classification: Benign. Last evaluated: 2025-06-13. Review status: criteria provided, single submitter. Criteria: Invitae Variant Classification Sherloc (09022015). Collection method: clinical testing. Allele origin: germline.

CeGaT Center for Human Genetics Tuebingen
Classification: Likely benign. Last evaluated: 2025-04-01. Review status: criteria provided, single submitter. Criteria: CeGaT Center For Human Genetics Tuebingen Variant Classification Criteria Version 2. Collection method: clinical testing. Allele origin: germline. Affected: yes. Observed: 3 variant alleles.
Comment: KMT2C: BP4, BP7

Breakthrough Genomics
Classification: Benign. Review status: criteria provided, single submitter. Criteria: ACMG Guidelines, 2015. Collection method: not provided. Allele origin: germline. Inheritance: Autosomal dominant inheritance. Affected: yes.

NM_170606.3(KMT2C):c.13023G>A (p.Gly4341=)

Gene: KMT2C (lysine methyltransferase 2C; minus strand). Cytogenetic location: 7q36.1.
Variant type: single nucleotide variant.
Coding change: c.13023G>A on transcript NM_170606.3 (MANE Select); coding-DNA position 13023, G replaced by A.
Protein change: p.Gly4341=; no amino-acid change (glycine 4341 retained).
Molecular consequence: synonymous variant.
Genome position (GRCh38, 1-based): chr7:152,148,904, C>T on the plus strand (G>A on the coding strand, the complement: KMT2C is on the minus strand). VCF-style: chr7-152148904-C-T. GRCh37 (hg19) VCF-style: chr7-151845989-C-T.
Identifiers: ClinVar variation 1572249 (VCV001572249.33), dbSNP rs142711314, ClinGen allele CA4578681.
Genomic context (GRCh38, chr7:152,148,904, plus strand): 5'-GCTCCACTTCTTCCATTTCATTCCTCTCCATTTTTTATTGAGCGGCCTGCAATCTTCAAA[C>T]CCACCATGGACAGCTCTTAGCCGAGGCTTCAGCTTGACTGTCACCTTCAGCTCATCTGGC-3'
Protein context (NP_733751.2, residues 4331-4351): LKPRLRAVHG[Gly4341=]FEDCRPLNKK